The following is an entry in ClinVar:

ClinVar aggregate classification (germline): Likely pathogenic (1 of 4 stars; one submission).

Conditions:
KMT2B-related disorder. Also called: KMT2B-related condition; KMT2B-related disorders. Identifiers: MedGen CN381338.

Submission:

Daryl Scott Lab, Baylor College of Medicine
Classification: Likely pathogenic for KMT2B-related disorder. Last evaluated: 2025-08-25. Review status: criteria provided, single submitter. Criteria: ACMG Guidelines, 2015. Collection method: clinical testing. Allele origin: de novo. Affected: yes. Observed: 1 heterozygote.
Comment: PS2, PM2, PP3

NM_014727.3(KMT2B):c.4967C>G (p.Ser1656Cys)

Gene: KMT2B (lysine methyltransferase 2B; plus strand). Cytogenetic location: 19q13.12.
Variant type: single nucleotide variant.
Coding change: c.4967C>G on transcript NM_014727.3 (MANE Select); coding-DNA position 4967, C replaced by G.
Protein change: p.Ser1656Cys; replaces serine 1656 with cysteine.
Molecular consequence: missense variant.
Genome position (GRCh38, 1-based): chr19:35,730,016, C>G. VCF-style: chr19-35730016-C-G. GRCh37 (hg19) VCF-style: chr19-36220917-C-G.
Other names: short protein forms S1656C.
Identifiers: ClinVar variation 4279654 (VCV004279654.1).